The following is an entry in ClinVar:

ClinVar aggregate classification (germline): Uncertain significance (1 of 4 stars; one submission).

Conditions:
Autosomal dominant nocturnal frontal lobe epilepsy 5. Also called: KCNT1-Related Epilepsy; Epilepsy, nocturnal frontal lobe, 5; CILIARY DYSKINESIA, PRIMARY, 28, WITHOUT SITUS INVERSUS; CILIARY DYSKINESIA, PRIMARY, 28, WITH SITUS INVERSUS. Identifiers: Orphanet 98784, MedGen C3554306, MONDO:0014002, OMIM 615005.
Developmental and epileptic encephalopathy, 14 (DEE14). Also called: Early infantile epileptic encephalopathy 14. Identifiers: Orphanet 293181, MedGen C3554195, MONDO:0013989, OMIM 614959.

Allele frequency attached by ClinVar (database versions not stated): ExAC 0.00002; gnomAD 0.00005 and 0.00006; TOPMed 0.00005.
gnomAD v4.1: 16 of 1,613,786 alleles (0.00099%); highest among the groups gnomAD compares: Admixed American, 0.015%; no homozygotes.

Submission:

Labcorp Genetics (formerly Invitae), Labcorp
Classification: Uncertain significance for Autosomal dominant nocturnal frontal lobe epilepsy 5; Developmental and epileptic encephalopathy, 14. Last evaluated: 2023-10-22. Review status: criteria provided, single submitter. Criteria: Invitae Variant Classification Sherloc (09022015). Collection method: clinical testing. Allele origin: germline.
Comment: This sequence change replaces alanine, which is neutral and non-polar, with valine, which is neutral and non-polar, at codon 877 of the KCNT1 protein (p.Ala877Val). This variant is present in population databases (rs774033346, gnomAD 0.006%). This variant has not been reported in the literature in individuals affected with KCNT1-related conditions. ClinVar contains an entry for this variant (Variation ID: 1470016). Advanced modeling of protein sequence and biophysical properties (such as structural, functional, and spatial information, amino acid conservation, physicochemical variation, residue mobility, and thermodynamic stability) has been performed at Invitae for this missense variant, however the output from this modeling did not meet the statistical confidence thresholds required to predict the impact of this variant on KCNT1 protein function. In summary, the available evidence is currently insufficient to determine the role of this variant in disease. Therefore, it has been classified as a Variant of Uncertain Significance.

NM_020822.3(KCNT1):c.2630C>T (p.Ala877Val)

Gene: KCNT1 (potassium sodium-activated channel subfamily T member 1; plus strand). Cytogenetic location: 9q34.3.
Variant type: single nucleotide variant.
Coding change: c.2630C>T on transcript NM_020822.3 (MANE Select); coding-DNA position 2630, C replaced by T.
Protein change: p.Ala877Val; replaces alanine 877 with valine.
Molecular consequence: missense variant.
Genome position (GRCh38, 1-based): chr9:135,778,723, C>T. VCF-style: chr9-135778723-C-T. GRCh37 (hg19) VCF-style: chr9-138670569-C-T.
Other names: c.2495C>T, p.Ala832Val (NM_001272003.2); short protein forms A877V, A832V.
Identifiers: ClinVar variation 1470016 (VCV001470016.8), dbSNP rs774033346, ClinGen allele CA5327376.
Genomic context (GRCh38, chr9:135,778,723, plus strand): 5'-CACGGGCCCTCGGTCCCGCCACCAGCCTGGACAGCCTGCTGCAGTGTGGCATCATCTATG[C>T]GGACAACCTGGTGGTGGTGGACAAGGAGAGCACCATGAGCGCCGAGGAGGACTACATGGC-3'
Protein context (NP_065873.2, residues 867-887): DSLLQCGIIY[Ala877Val]DNLVVVDKES